The following is an entry in ClinVar:

ClinVar aggregate classification (germline): Likely benign (0 of 4 stars; one submission).

Conditions:
NRP1-related disorder. Also called: NRP1-related condition.

gnomAD v4.1: 3 of 1,613,276 alleles (0.00019%); highest among the groups gnomAD compares: Admixed American, 0.0017%; no homozygotes.

Submission:

PreventionGenetics, part of Exact Sciences
Classification: Likely benign for NRP1-related condition. Last evaluated: 2021-10-28. Review status: no assertion criteria provided. Collection method: clinical testing. Allele origin: germline.
Comment: This variant is classified as likely benign based on ACMG/AMP sequence variant interpretation guidelines (Richards et al. 2015 PMID: 25741868, with internal and published modifications).

NM_003873.7(NRP1):c.291A>G (p.Gly97=)

Gene: NRP1 (neuropilin 1; minus strand). Cytogenetic location: 10p11.22.
Variant type: single nucleotide variant.
Coding change: c.291A>G on transcript NM_003873.7 (MANE Select); coding-DNA position 291, A replaced by G.
Protein change: p.Gly97=; no amino-acid change (glycine 97 retained).
Molecular consequence: synonymous variant.
Genome position (GRCh38, 1-based): chr10:33,270,814, T>C on the plus strand (A>G on the coding strand, the complement: NRP1 is on the minus strand). VCF-style: chr10-33270814-T-C. GRCh37 (hg19) VCF-style: chr10-33559742-T-C.
Other names: c.291A>G, p.Gly97= (NM_001024628.3, NM_001024629.3, NM_001244972.2 and 2 more transcripts).
Identifiers: ClinVar variation 3354834 (VCV003354834.1).